The following is an entry in ClinVar:

NM_007294.4(BRCA1):c.4975C>T (p.Pro1659Ser)

Gene: BRCA1 (BRCA1 DNA repair associated; minus strand). Cytogenetic location: 17q21.31.
Variant type: single nucleotide variant.
Coding change: c.4975C>T on transcript NM_007294.4 (MANE Select); coding-DNA position 4975, C replaced by T.
Protein change: p.Pro1659Ser; replaces proline 1659 with serine.
Molecular consequence: missense variant. On other transcripts: non-coding transcript variant (1).
Genome position (GRCh38, 1-based): chr17:43,070,939, G>A on the plus strand (C>T on the coding strand, the complement: BRCA1 is on the minus strand). VCF-style: chr17-43070939-G-A. GRCh37 (hg19) VCF-style: chr17-41222956-G-A.
Other names: c.4762C>T, p.Pro1588Ser (NM_001407571.1, NM_001407898.1, NM_001407899.1 and 12 more transcripts); c.5041C>T, p.Pro1681Ser (NM_001407581.1, NM_001407582.1); c.5038C>T, p.Pro1680Ser (NM_001407583.1, NM_001407585.1, NM_001407587.1 and 1 more transcripts); c.5035C>T, p.Pro1679Ser (NM_001407590.1, NM_001407591.1); c.4975C>T, p.Pro1659Ser (NM_001407593.1, NM_001407594.1, NM_001407596.1 and 8 more transcripts); c.4972C>T, p.Pro1658Ser (NM_001407610.1, NM_001407611.1, NM_001407612.1 and 17 more transcripts); c.4969C>T, p.Pro1657Ser (NM_001407627.1, NM_001407628.1, NM_001407629.1 and 14 more transcripts); c.4960C>T, p.Pro1654Ser (NM_001407647.1); and 70 more; short protein forms P1680S, P1659S, P555S, P1612S, P1363S, P1505S, P1530S, P1546S.
Identifiers: ClinVar variation 865746 (VCV000865746.3), dbSNP rs2052357870, ClinGen allele CA10591576.

Conditions:
Breast-ovarian cancer, familial, susceptibility to, 1 (BROVCA1). Also called: BRCA1 Hereditary Breast and Ovarian Cancer; OVARIAN CANCER, SUSCEPTIBILITY TO. Identifiers: Orphanet 145, MedGen C2676676, MONDO:0011450, OMIM 604370. Disease mechanism: loss of function.

Submission:

Brotman Baty Institute, University of Washington
No classification provided (evidence only). Condition: Breast-ovarian cancer, familial 1. Review status: no classification provided. Collection method: in vitro. Allele origin: not applicable. Functional consequence: functionally_normal.
ClinVar note: "not provided" was previously submitted as the classification for the variant. However, the classification appeared to be based only on an observation of functional data so it was converted to no classification on 2025-07-30.